The following is an entry in ClinVar:

NM_000535.7(PMS2):c.1259T>G (p.Leu420Arg)

Gene: PMS2 (PMS1 homolog 2, mismatch repair system component; minus strand). Cytogenetic location: 7p22.1.
Variant type: single nucleotide variant.
Coding change: c.1259T>G on transcript NM_000535.7 (MANE Select); coding-DNA position 1259, T replaced by G.
Protein change: p.Leu420Arg; replaces leucine 420 with arginine.
Molecular consequence: missense variant. On other transcripts: non-coding transcript variant (1).
Genome position (GRCh38, 1-based): chr7:5,987,506, A>C on the plus strand (T>G on the coding strand, the complement: PMS2 is on the minus strand). VCF-style: chr7-5987506-A-C. GRCh37 (hg19) VCF-style: chr7-6027137-A-C.
Other names: c.854T>G, p.Leu285Arg (NM_001322003.2, NM_001322004.2, NM_001322005.2 and 1 more transcripts); c.1103T>G, p.Leu368Arg (NM_001322006.2); c.941T>G, p.Leu314Arg (NM_001322007.2, NM_001322008.2); c.698T>G, p.Leu233Arg (NM_001322010.2); c.326T>G, p.Leu109Arg (NM_001322011.2, NM_001322012.2); c.686T>G, p.Leu229Arg (NM_001322013.2); c.1259T>G, p.Leu420Arg (NM_001322014.2); c.950T>G, p.Leu317Arg (NM_001322015.2); short protein forms L233R, L368R, L420R, L109R, L229R, L314R, L285R, L317R.
Identifiers: ClinVar variation 818730 (VCV000818730.5), dbSNP rs747495075, ClinGen allele CA366742461.

ClinVar aggregate classification (germline): Uncertain significance (1 of 4 stars; one submission).

Conditions:
Hereditary cancer-predisposing syndrome. Also called: Tumor predisposition; Hereditary neoplastic syndrome; Neoplastic Syndromes, Hereditary; Hereditary Cancer Syndrome. Identifiers: Orphanet 140162, MedGen C0027672, MeSH D009386, MONDO:0015356.

Submission:

Ambry Genetics
Classification: Uncertain significance for Hereditary cancer-predisposing syndrome. Last evaluated: 2024-04-19. Review status: criteria provided, single submitter. Criteria: Ambry Variant Classification Scheme 2023. Collection method: clinical testing. Allele origin: germline.
Comment: The p.L420R variant (also known as c.1259T>G), located in coding exon 11 of the PMS2 gene, results from a T to G substitution at nucleotide position 1259. The leucine at codon 420 is replaced by arginine, an amino acid with dissimilar properties. This amino acid position is highly conserved in available vertebrate species. In addition, the in silico prediction for this alteration is inconclusive. Based on the available evidence, the clinical significance of this variant remains unclear.